The following is an entry in ClinVar:

NM_000051.4(ATM):c.6964A>G (p.Ser2322Gly)

Genes: ATM (ATM serine/threonine kinase; plus strand), C11orf65 (chromosome 11 open reading frame 65; minus strand). Cytogenetic location: 11q22.3.
Variant type: single nucleotide variant.
Coding change: c.6964A>G on transcript NM_000051.4 (MANE Select); coding-DNA position 6964, A replaced by G.
Protein change: p.Ser2322Gly; replaces serine 2322 with glycine.
Molecular consequence: missense variant. On other transcripts: intron variant (2).
Genome position (GRCh38, 1-based): chr11:108,326,214, A>G. VCF-style: chr11-108326214-A-G. GRCh37 (hg19) VCF-style: chr11-108196941-A-G.
Other names: c.*38+9006T>C (NM_001351110.2); c.6964A>G, p.Ser2322Gly (NM_001351834.2); c.641-17143T>C (NM_001330368.2); short protein forms S2322G.
Identifiers: ClinVar variation 3964382 (VCV003964382.1).

ClinVar aggregate classification (germline): Uncertain significance (1 of 4 stars; one submission).

Conditions:
Hereditary cancer-predisposing syndrome. Also called: Neoplastic Syndromes, Hereditary; Tumor predisposition; Hereditary Cancer Syndrome; Hereditary neoplastic syndrome. Identifiers: Orphanet 140162, MedGen C0027672, MeSH D009386, MONDO:0015356.

Submission:

Ambry Genetics
Classification: Uncertain significance for Hereditary cancer-predisposing syndrome. Last evaluated: 2025-05-27. Review status: criteria provided, single submitter. Criteria: Ambry Variant Classification Scheme 2023. Collection method: clinical testing. Allele origin: germline.
Comment: The p.S2322G variant (also known as c.6964A>G), located in coding exon 46 of the ATM gene, results from an A to G substitution at nucleotide position 6964. The serine at codon 2322 is replaced by glycine, an amino acid with similar properties. This amino acid position is conserved. In addition, this alteration is predicted to be tolerated by in silico analysis. Based on the available evidence, the clinical significance of this variant remains unclear.